The following is an entry in ClinVar:

NM_032609.3(COX4I2):c.114C>T (p.Thr38=)

Gene: COX4I2 (cytochrome c oxidase subunit 4I2; plus strand). Cytogenetic location: 20q11.21.
Variant type: single nucleotide variant.
Coding change: c.114C>T on transcript NM_032609.3 (MANE Select); coding-DNA position 114, C replaced by T.
Protein change: p.Thr38=; no amino-acid change (threonine 38 retained).
Molecular consequence: synonymous variant.
Genome position (GRCh38, 1-based): chr20:31,639,964, C>T. VCF-style: chr20-31639964-C-T. GRCh37 (hg19) VCF-style: chr20-30227767-C-T.
Identifiers: ClinVar variation 506588 (VCV000506588.7), dbSNP rs61759491, ClinGen allele CA9801874.

ClinVar aggregate classification (germline): Likely benign. Review status: criteria provided, multiple submitters, no conflicts (2 of 4 stars). 3 submissions from 3 submitters: Likely benign (2). 1 of the submissions does not count toward it. Last evaluated 2025-09-02.

Conditions:
COX4I2-related disorder. Also called: COX4I2-related condition.

Allele frequency attached by ClinVar (database versions not stated): ExAC 0.00059; ESP Exome Variant Server 0.00062; gnomAD exomes 0.00063 and 0.00133; TOPMed 0.00065; gnomAD 0.00076 and 0.00078.
gnomAD v4.1: 2,026 of 1,613,996 alleles (0.13%); highest among the groups gnomAD compares: Non-Finnish European, 0.16%; 4 homozygotes.

Submissions (3):

Labcorp Genetics (formerly Invitae), Labcorp
Classification: Likely benign. Last evaluated: 2025-09-02. Review status: criteria provided, single submitter. Criteria: Invitae Variant Classification Sherloc (09022015). Collection method: clinical testing. Allele origin: germline.

GeneDx
Classification: Likely benign. Last evaluated: 2017-05-26. Review status: criteria provided, single submitter. Criteria: GeneDx Variant Classification (06012015). Collection method: clinical testing. Allele origin: germline. Affected: yes.
Comment: This variant is considered likely benign or benign based on one or more of the following criteria: it is a conservative change, it occurs at a poorly conserved position in the protein, it is predicted to be benign by multiple in silico algorithms, and/or has population frequency not consistent with disease.

PreventionGenetics, part of Exact Sciences
Classification: Likely benign for COX4I2-related condition. Last evaluated: 2019-09-05. Review status: no assertion criteria provided. Collection method: clinical testing. Allele origin: germline. Not counted in ClinVar's aggregate classification.
Comment: This variant is classified as likely benign based on ACMG/AMP sequence variant interpretation guidelines (Richards et al. 2015 PMID: 25741868, with internal and published modifications).